The following is an entry in ClinVar:

NM_001127222.2(CACNA1A):c.7002C>T (p.Ala2334=)

Gene: CACNA1A (calcium voltage-gated channel subunit alpha1 A; minus strand). Cytogenetic location: 19p13.13.
Variant type: single nucleotide variant.
Coding change: c.7002C>T on transcript NM_001127222.2 (MANE Select); coding-DNA position 7002, C replaced by T.
Protein change: p.Ala2334=; no amino-acid change (alanine 2334 retained).
Molecular consequence: synonymous variant. On other transcripts: 3 prime UTR variant (3).
Genome position (GRCh38, 1-based): chr19:13,207,832, G>A on the plus strand (C>T on the coding strand, the complement: CACNA1A is on the minus strand). VCF-style: chr19-13207832-G-A. GRCh37 (hg19) VCF-style: chr19-13318646-G-A.
Other names: c.*214C>T (NM_000068.4, NM_001127221.2, NM_001174080.2); c.7020C>T, p.Ala2340= (NM_023035.3).
Identifiers: ClinVar variation 382762 (VCV000382762.1), dbSNP rs1057521445, ClinGen allele CA16607700.

ClinVar aggregate classification (germline): Likely benign (1 of 4 stars; one submission).

Allele frequency attached by ClinVar (database versions not stated): gnomAD exomes below 0.00001.
gnomAD v4.1: 1 of 1,465,220 alleles (0.000068%); highest among the groups gnomAD compares: Non-Finnish European, 0.00009%; no homozygotes.

Submission:

GeneDx
Classification: Likely benign. Last evaluated: 2016-01-14. Review status: criteria provided, single submitter. Criteria: GeneDx Variant Classification (06012015). Collection method: clinical testing. Allele origin: germline. Affected: yes.
Comment: This variant is considered likely benign or benign based on one or more of the following criteria: it is a conservative change, it occurs at a poorly conserved position in the protein, it is predicted to be benign by multiple in silico algorithms, and/or has population frequency not consistent with disease.